The following is an entry in ClinVar:

ClinVar aggregate classification (germline): Uncertain significance (1 of 4 stars; one submission).

Conditions:
Leigh syndrome (NULS). Also called: Leigh's necrotizing encephalopathy; Leigh's disease; Leigh Syndrome (mtDNA deletion); Leigh Disease; Subacute necrotizing encephalopathy; Necrotizing encephalopathy infantile subacute of Leigh. Identifiers: Orphanet 506, MedGen C2931891, MONDO:0009723, OMIM 256000.

Submission:

Wong Mito Lab, Molecular and Human Genetics, Baylor College of Medicine
Classification: Uncertain significance for Leigh syndrome. Last evaluated: 2019-10-17. Review status: criteria provided, single submitter. Criteria: Modified ACMG Guidelines (Unpublished). Collection method: clinical testing. Allele origin: germline.
Comment: The NC_012920.1:m.8746T>C (YP_003024031.1:p.Ser74Pro) variant in MTATP6 gene is interpretated to be a Uncertain Significance variant based on the modified ACMG guidelines (unpublished). This variant meets the following evidence codes: PP3, PP6

NC_012920.1(MT-ATP6):m.8746T>C

Gene: MT-ATP6 (mitochondrially encoded ATP synthase 6; plus strand).
Variant type: single nucleotide variant.
Genome position: chrM-8746-T-C.
Identifiers: ClinVar variation 692972 (VCV000692972.1), dbSNP rs1603221761, ClinGen allele CA414797810.